The following is an entry in ClinVar:

NM_001290321.3(DMXL1):c.4759C>T (p.Leu1587=)

Gene: DMXL1 (Dmx like 1; plus strand). Cytogenetic location: 5q23.1.
Variant type: single nucleotide variant.
Coding change: c.4759C>T on transcript NM_001290321.3 (MANE Select); coding-DNA position 4759, C replaced by T.
Protein change: p.Leu1587=; no amino-acid change (leucine 1587 retained).
Molecular consequence: synonymous variant. On other transcripts: non-coding transcript variant (3).
Genome position (GRCh38, 1-based): chr5:119,164,563, C>T. VCF-style: chr5-119164563-C-T. GRCh37 (hg19) VCF-style: chr5-118500258-C-T.
Other names: c.4759C>T, p.Leu1587= (NM_001349239.2, NM_001349240.2, NM_001387933.1 and 2 more transcripts); c.4054C>T, p.Leu1352= (NM_001387937.1); c.3772C>T, p.Leu1258= (NM_001387938.1).
Identifiers: ClinVar variation 3045421 (VCV003045421.2), dbSNP rs201675305, ClinGen allele CA3380207.

ClinVar aggregate classification (germline): Benign (0 of 4 stars; one submission).

Conditions:
DMXL1-related disorder. Also called: DMXL1-related condition.

Allele frequency attached by ClinVar (database versions not stated): 1000 Genomes Project 30x 0.00250; ExAC 0.00260; 1000 Genomes Project 0.00280.
gnomAD v4.1: 1,753 of 1,614,114 alleles (0.11%); highest among the groups gnomAD compares: South Asian, 1.8%; 39 homozygotes.

Submission:

PreventionGenetics, part of Exact Sciences
Classification: Benign for DMXL1-related condition. Last evaluated: 2020-01-08. Review status: no assertion criteria provided. Collection method: clinical testing. Allele origin: germline.
Comment: This variant is classified as benign based on ACMG/AMP sequence variant interpretation guidelines (Richards et al. 2015 PMID: 25741868, with internal and published modifications).